The following is an entry in ClinVar:

NM_000256.3(MYBPC3):c.3802C>G (p.Leu1268Val)

Gene: MYBPC3 (myosin binding protein C3; minus strand). Cytogenetic location: 11p11.2.
Variant type: single nucleotide variant.
Coding change: c.3802C>G on transcript NM_000256.3 (MANE Select); coding-DNA position 3802, C replaced by G.
Protein change: p.Leu1268Val; replaces leucine 1268 with valine.
Molecular consequence: missense variant.
Genome position (GRCh38, 1-based): chr11:47,332,084, G>C on the plus strand (C>G on the coding strand, the complement: MYBPC3 is on the minus strand). VCF-style: chr11-47332084-G-C. GRCh37 (hg19) VCF-style: chr11-47353635-G-C.
Other names: short protein forms L1268V.
Identifiers: ClinVar variation 1436891 (VCV001436891.9), dbSNP rs2095877612, ClinGen allele CA380310421.

ClinVar aggregate classification (germline): Uncertain significance. Review status: criteria provided, multiple submitters, no conflicts (2 of 4 stars). 2 submissions from 2 submitters: Uncertain significance (2). Last evaluated 2025-06-02.

Conditions:
Hypertrophic cardiomyopathy. Also called: HYPERTROPHIC MYOCARDIOPATHY. Identifiers: Orphanet 217569, MedGen C0007194, MeSH D002312, MONDO:0005045, HP:0001639.
Cardiovascular phenotype. Identifiers: MedGen CN230736.

Allele frequency attached by ClinVar (database versions not stated): TOPMed below 0.00001.

Submissions (2):

Labcorp Genetics (formerly Invitae), Labcorp
Classification: Uncertain significance for Hypertrophic cardiomyopathy. Last evaluated: 2025-06-02. Review status: criteria provided, single submitter. Criteria: Invitae Variant Classification Sherloc (09022015). Collection method: clinical testing. Allele origin: germline.
Comment: This sequence change replaces leucine, which is neutral and non-polar, with valine, which is neutral and non-polar, at codon 1268 of the MYBPC3 protein (p.Leu1268Val). This variant is not present in population databases (gnomAD no frequency). This variant has not been reported in the literature in individuals affected with MYBPC3-related conditions. ClinVar contains an entry for this variant (Variation ID: 1436891). An algorithm developed to predict the effect of missense changes on protein structure and function (PolyPhen-2) suggests that this variant is likely to be disruptive. In summary, the available evidence is currently insufficient to determine the role of this variant in disease. Therefore, it has been classified as a Variant of Uncertain Significance.

Ambry Genetics
Classification: Uncertain significance for Cardiovascular phenotype. Last evaluated: 2024-05-29. Review status: criteria provided, single submitter. Criteria: Ambry Variant Classification Scheme 2023. Collection method: clinical testing. Allele origin: germline.
Comment: The p.L1268V variant (also known as c.3802C>G), located in coding exon 33 of the MYBPC3 gene, results from a C to G substitution at nucleotide position 3802. The leucine at codon 1268 is replaced by valine, an amino acid with highly similar properties. This amino acid position is conserved. In addition, the in silico prediction for this alteration is inconclusive. Since supporting evidence is limited at this time, the clinical significance of this alteration remains unclear.